The following is an entry in ClinVar:

NM_004273.5(CHST3):c.1276G>A (p.Glu426Lys)

Gene: CHST3 (carbohydrate sulfotransferase 3; plus strand). Cytogenetic location: 10q22.1.
Variant type: single nucleotide variant.
Coding change: c.1276G>A on transcript NM_004273.5 (MANE Select); coding-DNA position 1276, G replaced by A.
Protein change: p.Glu426Lys; replaces glutamic acid 426 with lysine.
Molecular consequence: missense variant.
Genome position (GRCh38, 1-based): chr10:72,008,307, G>A. VCF-style: chr10-72008307-G-A. GRCh37 (hg19) VCF-style: chr10-73768065-G-A.
Other names: short protein forms E426K.
Identifiers: ClinVar variation 1041191 (VCV001041191.8), dbSNP rs1223108562, ClinGen allele CA377152179.

ClinVar aggregate classification (germline): Uncertain significance (1 of 4 stars; one submission).

Conditions:
Spondyloepiphyseal dysplasia with congenital joint dislocations (SEDCJD). Also called: Chondrodysplasia with Congenital Joint Dislocations, CHST3-Related. Identifiers: Orphanet 263463, MedGen C1837657, MONDO:0007738, OMIM 143095.

gnomAD v4.1: 4 of 1,582,896 alleles (0.00025%); highest among the groups gnomAD compares: South Asian, 0.0012%; no homozygotes.

Submission:

Labcorp Genetics (formerly Invitae), Labcorp
Classification: Uncertain significance for Spondyloepiphyseal dysplasia with congenital joint dislocations. Last evaluated: 2024-04-22. Review status: criteria provided, single submitter. Criteria: Invitae Variant Classification Sherloc (09022015). Collection method: clinical testing. Allele origin: germline.
Comment: This sequence change replaces glutamic acid, which is acidic and polar, with lysine, which is basic and polar, at codon 426 of the CHST3 protein (p.Glu426Lys). The frequency data for this variant in the population databases is considered unreliable, as metrics indicate poor data quality at this position in the gnomAD database. This variant has not been reported in the literature in individuals affected with CHST3-related conditions. ClinVar contains an entry for this variant (Variation ID: 1041191). Advanced modeling of protein sequence and biophysical properties (such as structural, functional, and spatial information, amino acid conservation, physicochemical variation, residue mobility, and thermodynamic stability) has been performed at Invitae for this missense variant, however the output from this modeling did not meet the statistical confidence thresholds required to predict the impact of this variant on CHST3 protein function. In summary, the available evidence is currently insufficient to determine the role of this variant in disease. Therefore, it has been classified as a Variant of Uncertain Significance.